The following is an entry in ClinVar:

NM_032119.4(ADGRV1):c.2233C>G (p.Leu745Val)

Gene: ADGRV1 (adhesion G protein-coupled receptor V1; plus strand). Cytogenetic location: 5q14.3.
Variant type: single nucleotide variant.
Coding change: c.2233C>G on transcript NM_032119.4 (MANE Select); coding-DNA position 2233, C replaced by G.
Protein change: p.Leu745Val; replaces leucine 745 with valine.
Molecular consequence: missense variant. On other transcripts: non-coding transcript variant (1).
Genome position (GRCh38, 1-based): chr5:90,637,941, C>G. VCF-style: chr5-90637941-C-G. GRCh37 (hg19) VCF-style: chr5-89933758-C-G.
Other names: short protein forms L745V.
Identifiers: ClinVar variation 193937 (VCV000193937.14), dbSNP rs373724664, ClinGen allele CA239673.

ClinVar aggregate classification (germline): Uncertain significance. Review status: criteria provided, multiple submitters, no conflicts (2 of 4 stars). 5 submissions from 5 submitters: Uncertain significance (5). Last evaluated 2023-09-13.

Conditions:
Inborn genetic diseases. Identifiers: MedGen C0950123, MeSH D030342.

Allele frequency attached by ClinVar (database versions not stated): ExAC 0.00001; gnomAD exomes 0.00001 and 0.00006; gnomAD 0.00003 and 0.00004; TOPMed 0.00003; ESP Exome Variant Server 0.00025.
gnomAD v4.1: 83 of 1,607,212 alleles (0.0052%); highest among the groups gnomAD compares: Non-Finnish European, 0.0067%; no homozygotes.

Submissions (5):

GeneDx
Classification: Uncertain significance. Last evaluated: 2023-09-13. Review status: criteria provided, single submitter. Criteria: GeneDx Variant Classification Process June 2021. Collection method: clinical testing. Allele origin: germline. Affected: yes.
Comment: Not observed at significant frequency in large population cohorts (gnomAD); In silico analysis supports that this missense variant does not alter protein structure/function; Has not been previously published as pathogenic or benign to our knowledge

Labcorp Genetics (formerly Invitae), Labcorp
Classification: Uncertain significance. Last evaluated: 2022-03-06. Review status: criteria provided, single submitter. Criteria: Invitae Variant Classification Sherloc (09022015). Collection method: clinical testing. Allele origin: germline.
Comment: This sequence change replaces leucine, which is neutral and non-polar, with valine, which is neutral and non-polar, at codon 745 of the ADGRV1 protein (p.Leu745Val). This variant is present in population databases (rs373724664, gnomAD 0.004%). This variant has not been reported in the literature in individuals affected with ADGRV1-related conditions. ClinVar contains an entry for this variant (Variation ID: 193937). Algorithms developed to predict the effect of missense changes on protein structure and function are either unavailable or do not agree on the potential impact of this missense change (SIFT: "Deleterious"; PolyPhen-2: "Possibly Damaging"; Align-GVGD: "Class C0"). In summary, the available evidence is currently insufficient to determine the role of this variant in disease. Therefore, it has been classified as a Variant of Uncertain Significance.

Blueprint Genetics
Classification: Uncertain significance. Last evaluated: 2021-11-18. Review status: criteria provided, single submitter. Criteria: ACMG Guidelines, 2015. Collection method: clinical testing. Allele origin: germline.

Ambry Genetics
Classification: Uncertain significance for Inborn genetic diseases. Last evaluated: 2021-09-01. Review status: criteria provided, single submitter. Criteria: Ambry Variant Classification Scheme 2023. Collection method: clinical testing. Allele origin: germline.

Eurofins Ntd Llc (ga)
Classification: Uncertain significance. Last evaluated: 2014-11-14. Review status: criteria provided, single submitter. Criteria: EGL Classification Definitions 2015. Collection method: clinical testing. Allele origin: germline. Observed: 2 variant alleles, 2 heterozygotes.